The following is an entry in ClinVar:

ClinVar aggregate classification (germline): Benign. Review status: criteria provided, multiple submitters, no conflicts (2 of 4 stars). 2 submissions from 2 submitters: Benign (2). Last evaluated 2026-05-18.

Conditions:
Renal hypomagnesemia 6. Identifiers: Orphanet 34527, MedGen C3151295, MONDO:0013480, OMIM 613882.

Allele frequency attached by ClinVar (database versions not stated): 1000 Genomes Project 0.00799; 1000 Genomes Project 30x 0.00812; gnomAD 0.00916 and 0.00929; TOPMed 0.01163.
gnomAD v4.1: 1,417 of 152,530 alleles (0.93%); highest among the groups gnomAD compares: Admixed American, 3.5%; 15 homozygotes.

Submissions (2):

Revvity Omics, Revvity
Classification: Benign. Last evaluated: 2026-05-18. Review status: criteria provided, single submitter. Criteria: ACMG Guidelines, 2015. Collection method: clinical testing. Allele origin: germline.

Illumina Laboratory Services, Illumina
Classification: Benign for Renal hypomagnesemia 6. Last evaluated: 2018-01-12. Review status: criteria provided, single submitter. Criteria: ICSL Variant Classification Criteria 13 December 2019. Collection method: clinical testing. Allele origin: germline.
Comment: This variant was observed in the ICSL laboratory as part of a predisposition screen in an ostensibly healthy population. It had not been previously curated by ICSL or reported in the Human Gene Mutation Database (HGMD: prior to June 1st, 2018), and was therefore a candidate for classification through an automated scoring system. Utilizing variant allele frequency, disease prevalence and penetrance estimates, and inheritance mode, an automated score was calculated to assess if this variant is too frequent to cause the disease. Based on the score and internal cut-off values, a variant classified as benign is not then subjected to further curation. The score for this variant resulted in a classification of benign for this disease.

NM_017649.5(CNNM2):c.*904G>C

Gene: CNNM2 (cyclin and CBS domain divalent metal cation transport mediator 2; plus strand). Cytogenetic location: 10q24.32.
Variant type: single nucleotide variant.
Coding change: c.*904G>C on transcript NM_017649.5 (MANE Select); 904 bases downstream of the stop codon, G replaced by C.
Molecular consequence: 3 prime UTR variant.
Genome position (GRCh38, 1-based): chr10:103,078,084, G>C. VCF-style: chr10-103078084-G-C. GRCh37 (hg19) VCF-style: chr10-104837841-G-C.
Other names: c.*904G>C (NM_199076.3).
Identifiers: ClinVar variation 298667 (VCV000298667.6), dbSNP rs145537350, ClinGen allele CA10634828.
Genomic context (GRCh38, chr10:103,078,084, plus strand): 5'-CCCCGACCCAGCGCCTAAGCTCACAGAGTGTCGTCGCCCACCTCCCTGGTCCTTGCTCTT[G>C]TTAACCCAAGATGCTGCTACACAGATGCCAAATGGAAATCTTCCACAGGGCTTTTTCAGT-3'